The following is an entry in ClinVar:

ClinVar aggregate classification (germline): Uncertain significance. Review status: criteria provided, multiple submitters, no conflicts (2 of 4 stars). 5 submissions from 5 submitters: Uncertain significance (5). Last evaluated 2024-09-30.

Conditions:
Polycystic kidney disease 4 (PKD4). Also called: POLYCYSTIC KIDNEY DISEASE 4 WITH OR WITHOUT POLYCYSTIC LIVER DISEASE; Autosomal Recessive Polycystic Kidney Disease – PKHD1; POLYCYSTIC KIDNEY AND HEPATIC DISEASE 1; POLYCYSTIC KIDNEY DISEASE, INFANTILE, TYPE I; PKD3. Identifiers: MedGen C4540575, MONDO:0033004, OMIM 263200.
Autosomal recessive polycystic kidney disease (ARPKD). Also called: AR polycystic kidney disease. Identifiers: Orphanet 731, Orphanet 8378, MedGen C0085548, MeSH D017044, MONDO:0009889.

Allele frequency attached by ClinVar (database versions not stated): ExAC 0.00001; gnomAD exomes 0.00002 and 0.00006; TOPMed 0.00002; gnomAD 0.00004 and 0.00005; ESP Exome Variant Server 0.00015.
gnomAD v4.1: 92 of 1,609,908 alleles (0.0057%); highest among the groups gnomAD compares: Non-Finnish European, 0.0077%; no homozygotes.

Submissions (5):

Blueprint Genetics
Classification: Uncertain significance. Last evaluated: 2024-09-30. Review status: criteria provided, single submitter. Criteria: ACMG Guidelines, 2015. Collection method: clinical testing. Allele origin: germline.

Fulgent Genetics
Classification: Uncertain significance for Polycystic kidney disease 4. Last evaluated: 2024-05-10. Review status: criteria provided, single submitter. Criteria: ACMG Guidelines, 2015. Collection method: clinical testing. Allele origin: germline.

Labcorp Genetics (formerly Invitae), Labcorp
Classification: Uncertain significance for Autosomal recessive polycystic kidney disease. Last evaluated: 2021-08-28. Review status: criteria provided, single submitter. Criteria: Invitae Variant Classification Sherloc (09022015). Collection method: clinical testing. Allele origin: germline.
Comment: This sequence change replaces proline with arginine at codon 145 of the PKHD1 protein (p.Pro145Arg). The proline residue is weakly conserved and there is a moderate physicochemical difference between proline and arginine. This variant is present in population databases (rs146649894, ExAC 0.002%). This variant has not been reported in the literature in individuals affected with PKHD1-related conditions. ClinVar contains an entry for this variant (Variation ID: 290856). Algorithms developed to predict the effect of missense changes on protein structure and function are either unavailable or do not agree on the potential impact of this missense change (SIFT: "Deleterious"; PolyPhen-2: "Possibly Damaging"; Align-GVGD: "Class C0"). In summary, the available evidence is currently insufficient to determine the role of this variant in disease. Therefore, it has been classified as a Variant of Uncertain Significance.

Genetic Services Laboratory, University of Chicago
Classification: Uncertain significance. Last evaluated: 2018-09-17. Review status: criteria provided, single submitter. Criteria: ACMG Guidelines, 2015. Collection method: clinical testing. Allele origin: germline. Affected: no.

Eurofins Ntd Llc (ga)
Classification: Uncertain significance. Last evaluated: 2016-09-16. Review status: criteria provided, single submitter. Criteria: EGL Classification Definitions 2015. Collection method: clinical testing. Allele origin: germline. Observed: 1 variant allele, 1 heterozygote.

NM_138694.4(PKHD1):c.434C>G (p.Pro145Arg)

Gene: PKHD1 (PKHD1 ciliary IPT domain containing fibrocystin/polyductin; minus strand). Cytogenetic location: 6p12.2.
Variant type: single nucleotide variant.
Coding change: c.434C>G on transcript NM_138694.4 (MANE Select); coding-DNA position 434, C replaced by G.
Protein change: p.Pro145Arg; replaces proline 145 with arginine.
Molecular consequence: missense variant.
Genome position (GRCh38, 1-based): chr6:52,076,290, G>C on the plus strand (C>G on the coding strand, the complement: PKHD1 is on the minus strand). VCF-style: chr6-52076290-G-C. GRCh37 (hg19) VCF-style: chr6-51941088-G-C.
Other names: c.434C>G, p.Pro145Arg (NM_170724.3); short protein forms P145R.
Identifiers: ClinVar variation 290856 (VCV000290856.16), dbSNP rs146649894, ClinGen allele CA3853932.